The following is an entry in ClinVar:

NM_000238.4(KCNH2):c.2966-2_2967dup

Gene: KCNH2 (potassium voltage-gated channel subfamily H member 2; minus strand). Cytogenetic location: 7q36.1.
Variant type: Duplication.
Coding change: c.2966-2_2967dup on transcript NM_000238.4 (MANE Select); the canonical splice acceptor site of the intron before coding-DNA position 2966 through coding-DNA position 2967, 4 bases duplicated (AGGC; older notation c.2966-2_2967dupAGGC).
Molecular consequence: splice acceptor variant.
Genome position (GRCh38, 1-based): chr7:150,947,513-150,947,516, GCCT duplicated on the plus strand (AGGC on the coding strand, the reverse complement: KCNH2 is on the minus strand); duplicating any 4 consecutive bases within chr7:150,947,513-150,947,518 gives the same sequence; the c. name uses the placement nearest the transcript's 3' end. VCF-style (leftmost placement, unchanged base first): chr7-150947512-C-CGCCT. GRCh37 (hg19) VCF-style: chr7-150644600-C-CGCCT.
Other names: c.1946-2_1947dup (NM_172057.3); c.2966-2_2967dupAGGC (NM_000238.2).
Identifiers: ClinVar variation 200691 (VCV000200691.13), dbSNP rs794728464, ClinGen allele CA305334.
Genomic context (GRCh38, chr7:150,947,512, plus strand): 5'-GGTACTGGCGGCCCCGACTGTCCCCCCAGAAGCTGAAAATGTTGGACACTCCTGAGAAGG[C>CGCCT]GCCTGCAGCCAGAGAGCAGAGCTGGGTGAGCGGGGTAGACGCACCACCGCTGCCACGCCC-3'

ClinVar aggregate classification (germline): Pathogenic/Likely pathogenic. Review status: criteria provided, multiple submitters, no conflicts (2 of 4 stars). 3 submissions from 2 submitters: Pathogenic (1); Likely pathogenic (1). 1 of the submissions does not count toward it. Last evaluated 2024-07-02.

Conditions:
Long QT syndrome (LQTS). Identifiers: MedGen C0023976, MeSH D008133, MONDO:0002442. Disease mechanism: loss of function. Inheritance: Various modes of inheritance.
Cardiac arrhythmia. Also called: Cardiac rhythm disease; Arrhythmia. Identifiers: MedGen C0003811, MONDO:0007263, HP:0011675.

Submissions (3):

Labcorp Genetics (formerly Invitae), Labcorp
Classification: Pathogenic for Long QT syndrome. Last evaluated: 2024-07-02. Review status: criteria provided, single submitter. Criteria: Invitae Variant Classification Sherloc (09022015). Collection method: clinical testing. Allele origin: germline.
Comment: This sequence change creates a premature translational stop signal (p.Ala990Argfs*130) in the KCNH2 gene. While this is not anticipated to result in nonsense mediated decay, it is expected to disrupt the last 170 amino acid(s) of the KCNH2 protein. This variant is not present in population databases (gnomAD no frequency). This premature translational stop signal has been observed in individual(s) with clinical features of long QT syndrome (Invitae). It has also been observed to segregate with disease in related individuals. ClinVar contains an entry for this variant (Variation ID: 200691). This variant disrupts a region of the KCNH2 protein in which other variant(s) (p.Glu1119*) have been determined to be pathogenic (PMID: 27920829). This suggests that this is a clinically significant region of the protein, and that variants that disrupt it are likely to be disease-causing. For these reasons, this variant has been classified as Pathogenic.

GeneDx
Classification: Likely pathogenic. Last evaluated: 2020-05-29. Review status: criteria provided, single submitter. Criteria: GeneDx Variant Classification Process June 2021. Collection method: clinical testing. Allele origin: germline. Affected: yes.
Comment: Has not been previously published as pathogenic or benign to our knowledge; Not observed in large population cohorts (Lek et al., 2016); Canonical splice site variant with an unclear effect on protein function; In silico analysis supports a deleterious effect on splicing

GeneDx
Classification: Pathogenic for Cardiac arrhythmia. Last evaluated: 2013-06-20. Review status: flagged submission. Criteria: GeneDx Variant Classification (06012015). Collection method: clinical testing. Allele origin: germline. Affected: yes. Not counted in ClinVar's aggregate classification.
Comment: The c.2966-2_2967dupAGGC mutation in the KCNH2 gene causes a shift in reading frame starting at codon Alanine 990, changing it to an Arginine, and creating a premature stop codon at position 130 of the new reading frame. This mutation is expected to result either in an abnormal, truncated protein product or loss of protein from this allele through nonsense-mediated mRNA decay. While this duplication includes nucleotides at the splice acceptor site of exon 13, this mutation is not predicted to result in abnormal gene splicing. Other frameshift mutations in the KCNH2 gene have been reported in association with LQTS. The variant is found in LQT panel(s).
ClinVar note: Reason: This record appears to be redundant with a more recent record from the same submitter.
ClinVar note: Notes: SCV000234306 appears to be redundant with SCV001829667.

Literature cited by the submitters: PubMed 27920829 (cited by Labcorp Genetics (formerly Invitae), Labcorp).